The following is an entry in ClinVar:

ClinVar aggregate classification (germline): Uncertain significance. Review status: criteria provided, multiple submitters, no conflicts (2 of 4 stars). 2 submissions from 2 submitters: Uncertain significance (2). Last evaluated 2025-10-08.

Conditions:
Lymphatic malformation 9. Identifiers: MedGen C5543365, MONDO:0030270, OMIM 619319.

Allele frequency attached by ClinVar (database versions not stated): TOPMed 0.00001; gnomAD 0.00002; gnomAD exomes 0.00003; ExAC 0.00009; 1000 Genomes Project 30x 0.00016; 1000 Genomes Project 0.00020.
gnomAD v4.1: 42 of 1,613,906 alleles (0.0026%); highest among the groups gnomAD compares: Admixed American, 0.0033%; no homozygotes.

Submissions (2):

Clinical Genomics Laboratory, Washington University in St. Louis
Classification: Uncertain significance for Lymphatic malformation 9. Last evaluated: 2025-10-08. Review status: criteria provided, single submitter. Criteria: ACMG Guidelines, 2015. Collection method: clinical testing. Allele origin: germline.
Comment: A CELSR1 c.2531T>C (p.Met844Thr) variant was identified at a heterozygous allelic fraction of 50.2%, a frequency which may be consistent with it being of germline origin. The CELSR1 c.2531T>C (p.Met844Thr) variant, to our knowledge, has not been reported in the medical literature. This variant is only observed on 42/1,613,906 alleles in the general population (gnomAD v4.1.0). This variant has been reported in the ClinVar database as a germline variant of uncertain significance by one submitter (ClinVar Variation ID: 2214024). Due to limited information, and based on ACMG/AMP guidelines for variant interpretation (Richards S et al., PMID: 25741868), the clinical significance of this variant is uncertain at this time.

Ambry Genetics
Classification: Uncertain significance. Last evaluated: 2022-06-24. Review status: criteria provided, single submitter. Criteria: Ambry Variant Classification Scheme 2023. Collection method: clinical testing. Allele origin: germline.

NM_001378328.1(CELSR1):c.2531T>C (p.Met844Thr)

Gene: CELSR1 (cadherin EGF LAG seven-pass G-type receptor 1; minus strand). Cytogenetic location: 22q13.31.
Variant type: single nucleotide variant.
Coding change: c.2531T>C on transcript NM_001378328.1 (MANE Select); coding-DNA position 2531, T replaced by C.
Protein change: p.Met844Thr; replaces methionine 844 with threonine.
Molecular consequence: missense variant.
Genome position (GRCh38, 1-based): chr22:46,534,640, A>G on the plus strand (T>C on the coding strand, the complement: CELSR1 is on the minus strand). VCF-style: chr22-46534640-A-G. GRCh37 (hg19) VCF-style: chr22-46930537-A-G.
Other names: c.2531T>C, p.Met844Thr (NM_014246.4); short protein forms M844T.
Identifiers: ClinVar variation 2214024 (VCV002214024.3), dbSNP rs202110347, ClinGen allele CA10295228.